The following is an entry in ClinVar:

NM_001183.6(ATP6AP1):c.781A>G (p.Asn261Asp)

Gene: ATP6AP1 (ATPase H+ transporting accessory protein 1; plus strand). Cytogenetic location: Xq28.
Variant type: single nucleotide variant.
Coding change: c.781A>G on transcript NM_001183.6 (MANE Select); coding-DNA position 781, A replaced by G.
Protein change: p.Asn261Asp; replaces asparagine 261 with aspartic acid.
Molecular consequence: missense variant.
Genome position (GRCh38, 1-based): chrX:154,434,304, A>G. VCF-style: chrX-154434304-A-G. GRCh37 (hg19) VCF-style: chrX-153662650-A-G.
Other names: short protein forms N261D.
Identifiers: ClinVar variation 1472769 (VCV001472769.7), dbSNP rs928791822, ClinGen allele CA337294770.

ClinVar aggregate classification (germline): Uncertain significance. Review status: criteria provided, multiple submitters, no conflicts (2 of 4 stars). 2 submissions from 2 submitters: Uncertain significance (2). Last evaluated 2026-01-22.

Submissions (2):

Women's Health and Genetics/Laboratory Corporation of America, LabCorp
Classification: Uncertain significance. Last evaluated: 2026-01-22. Review status: criteria provided, single submitter. Criteria: LabCorp Variant Classification Summary - May 2015. Collection method: clinical testing. Allele origin: germline.

Labcorp Genetics (formerly Invitae), Labcorp
Classification: Uncertain significance. Last evaluated: 2025-01-06. Review status: criteria provided, single submitter. Criteria: Invitae Variant Classification Sherloc (09022015). Collection method: clinical testing. Allele origin: germline.
Comment: This sequence change replaces asparagine, which is neutral and polar, with aspartic acid, which is acidic and polar, at codon 261 of the ATP6AP1 protein (p.Asn261Asp). This variant is not present in population databases (gnomAD no frequency). This variant has not been reported in the literature in individuals affected with ATP6AP1-related conditions. ClinVar contains an entry for this variant (Variation ID: 1472769). Invitae Evidence Modeling of protein sequence and biophysical properties (such as structural, functional, and spatial information, amino acid conservation, physicochemical variation, residue mobility, and thermodynamic stability) indicates that this missense variant is not expected to disrupt ATP6AP1 protein function with a negative predictive value of 80%. In summary, the available evidence is currently insufficient to determine the role of this variant in disease. Therefore, it has been classified as a Variant of Uncertain Significance.